The following is an entry in ClinVar:

NM_020778.5(ALPK3):c.1806G>C (p.Gln602His)

Gene: ALPK3 (alpha kinase 3; plus strand). Cytogenetic location: 15q25.3.
Variant type: single nucleotide variant.
Coding change: c.1806G>C on transcript NM_020778.5 (MANE Select); coding-DNA position 1806, G replaced by C.
Protein change: p.Gln602His; replaces glutamine 602 with histidine.
Molecular consequence: missense variant.
Genome position (GRCh38, 1-based): chr15:84,856,544, G>C. VCF-style: chr15-84856544-G-C. GRCh37 (hg19) VCF-style: chr15-85399775-G-C.
Other names: short protein forms Q602H.
Identifiers: ClinVar variation 3615026 (VCV003615026.2).
Genomic context (GRCh38, chr15:84,856,544, plus strand): 5'-AGGTATCATTGAACCCATGGATATGGAAACCCAGGAGGATGGGAGAACATCTGCTAACCA[G>C]AGAACTGGAAGCAAGAAGAATGTGCAGGCAGATGGGAAGATACAAGTGGATGGAAGGACC-3'
Protein context (NP_065829.4, residues 592-612): TQEDGRTSAN[Gln602His]RTGSKKNVQA

ClinVar aggregate classification (germline): Uncertain significance (1 of 4 stars; one submission).

gnomAD v4.1: 4 of 1,614,078 alleles (0.00025%); highest among the groups gnomAD compares: Non-Finnish European, 0.00034%; no homozygotes.

Submission:

Labcorp Genetics (formerly Invitae), Labcorp
Classification: Uncertain significance. Last evaluated: 2024-04-13. Review status: criteria provided, single submitter. Criteria: Invitae Variant Classification Sherloc (09022015). Collection method: clinical testing. Allele origin: germline.
Comment: This sequence change replaces glutamine, which is neutral and polar, with histidine, which is basic and polar, at codon 804 of the ALPK3 protein (p.Gln804His). This variant is present in population databases (no rsID available, gnomAD 0.0009%). This variant has not been reported in the literature in individuals affected with ALPK3-related conditions. An algorithm developed to predict the effect of missense changes on protein structure and function (PolyPhen-2) suggests that this variant is likely to be disruptive. In summary, the available evidence is currently insufficient to determine the role of this variant in disease. Therefore, it has been classified as a Variant of Uncertain Significance.